The following is an entry in ClinVar:

NM_004387.4(NKX2-5):c.443C>A (p.Ala148Glu)

Gene: NKX2-5 (NK2 homeobox 5; minus strand). Cytogenetic location: 5q35.1.
Variant type: single nucleotide variant.
Coding change: c.443C>A on transcript NM_004387.4 (MANE Select); coding-DNA position 443, C replaced by A.
Protein change: p.Ala148Glu; replaces alanine 148 with glutamic acid.
Molecular consequence: missense variant. On other transcripts: 3 prime UTR variant (2).
Genome position (GRCh38, 1-based): chr5:173,233,101, G>T on the plus strand (C>A on the coding strand, the complement: NKX2-5 is on the minus strand). VCF-style: chr5-173233101-G-T. GRCh37 (hg19) VCF-style: chr5-172660104-G-T.
Other names: c.*396C>A (NM_001166175.2); c.*242C>A (NM_001166176.2); short protein forms A148E.
Identifiers: ClinVar variation 219169 (VCV000219169.3), dbSNP rs864321649, ClinGen allele CA279927.

ClinVar aggregate classification (germline): Likely pathogenic. Review status: criteria provided, single submitter (1 of 4 stars). 2 submissions from 2 submitters: Likely pathogenic (1). 1 of the submissions does not count toward it. Last evaluated 2024-12-18.

Conditions:
Congenital heart disease (CHD). Identifiers: MedGen C0152021, MONDO:0005453. Disease mechanism: unknown.
Tetralogy of Fallot (TOF). Identifiers: Orphanet 3303, MedGen C0039685, MONDO:0008542, OMIM 187500, HP:0001636.

Submissions (2):

Genomic Medicine Center of Excellence, King Faisal Specialist Hospital and Research Centre
Classification: Likely pathogenic for Tetralogy of Fallot. Last evaluated: 2024-12-18. Review status: criteria provided, single submitter. Criteria: ACMG Guidelines, 2015. Collection method: clinical testing. Allele origin: germline.

Cytogenetics- Mohapatra Lab, Banaras Hindu University
Classification: Pathogenic for Congenital heart disease. Last evaluated: 2012-11-02. Review status: no assertion criteria provided. Collection method: case-control. Allele origin: unknown. Affected: yes. Observed: 1 variant allele. Not counted in ClinVar's aggregate classification.
Comment: Atrial septal defect with ventricular septal defect